The following is an entry in ClinVar:

ClinVar aggregate classification (germline): Uncertain significance (1 of 4 stars; one submission).

Conditions:
Hajdu-Cheney syndrome (HJCYS). Also called: ACROOSTEOLYSIS WITH OSTEOPOROSIS AND CHANGES IN SKULL AND MANDIBLE; Acroosteolysis dominant type; SERPENTINE FIBULA-POLYCYSTIC KIDNEY SYNDROME. Identifiers: Orphanet 955, MedGen C0917715, MONDO:0007057, OMIM 102500.

gnomAD v4.1: 1 of 1,613,406 alleles (0.000062%); no homozygotes.

Submission:

Labcorp Genetics (formerly Invitae), Labcorp
Classification: Uncertain significance for Hajdu-Cheney syndrome. Last evaluated: 2022-08-22. Review status: criteria provided, single submitter. Criteria: Invitae Variant Classification Sherloc (09022015). Collection method: clinical testing. Allele origin: germline.
Comment: This variant is not present in population databases (gnomAD no frequency). This sequence change falls in intron 25 of the NOTCH2 gene. It does not directly change the encoded amino acid sequence of the NOTCH2 protein. It affects a nucleotide within the consensus splice site. This variant has not been reported in the literature in individuals affected with NOTCH2-related conditions. Variants that disrupt the consensus splice site are a relatively common cause of aberrant splicing (PMID: 17576681, 9536098). Algorithms developed to predict the effect of sequence changes on RNA splicing suggest that this variant is not likely to affect RNA splicing. In summary, the available evidence is currently insufficient to determine the role of this variant in disease. Therefore, it has been classified as a Variant of Uncertain Significance.

Literature cited by the submitters: PubMed 17576681; PubMed 9536098.

NM_024408.4(NOTCH2):c.4511+6G>A

Gene: NOTCH2 (notch receptor 2; minus strand). Cytogenetic location: 1p12.
Variant type: single nucleotide variant.
Coding change: c.4511+6G>A on transcript NM_024408.4 (MANE Select); 6 bases into the intron after coding-DNA position 4511, G replaced by A.
Molecular consequence: intron variant.
Genome position (GRCh38, 1-based): chr1:119,925,299, C>T on the plus strand (G>A on the coding strand, the complement: NOTCH2 is on the minus strand). VCF-style: chr1-119925299-C-T. GRCh37 (hg19) VCF-style: chr1-120467922-C-T.
Identifiers: ClinVar variation 2413577 (VCV002413577.6), dbSNP rs2526146409, ClinGen allele CA2580060933.